The following is an entry in ClinVar:

ClinVar aggregate classification (germline): Uncertain significance. Review status: criteria provided, multiple submitters, no conflicts (2 of 4 stars). 2 submissions from 2 submitters: Uncertain significance (2). Last evaluated 2026-05-04.

Conditions:
CHARGE syndrome (CHARGE). Also called: Coloboma, heart anomaly, choanal atresia, retardation, genital and ear anomalies; CHARGE association; Hall-Hittner syndrome; Hittner Hirsch Kreh syndrome; CHARGE ASSOCIATION--COLOBOMA, HEART ANOMALY, CHOANAL ATRESIA, RETARDATION, GENITAL AND EAR ANOMALIES. Identifiers: Orphanet 138, MedGen C0265354, MONDO:0008965.
SEMA3E-related disorder. Also called: SEMA3E-related condition.

Allele frequency attached by ClinVar (database versions not stated): ExAC 0.00001; gnomAD exomes 0.00001; TOPMed 0.00002.
gnomAD v4.1: 3 of 1,614,040 alleles (0.00019%); highest among the groups gnomAD compares: Admixed American, 0.005%; no homozygotes.

Submissions (2):

PreventionGenetics, part of Exact Sciences
Classification: Uncertain significance for SEMA3E-related condition. Last evaluated: 2026-05-04. Review status: criteria provided, single submitter. Criteria: ACMG Guidelines, 2015. Collection method: clinical testing. Allele origin: germline.
Comment: The SEMA3E c.1313T>C variant is predicted to result in the amino acid substitution p.Val438Ala. To our knowledge, this variant has not been reported in the literature. This variant is reported in 0.0087% of alleles in individuals of Latino descent in gnomAD. At this time, the clinical significance of this variant is uncertain due to the absence of conclusive functional and genetic evidence.

Labcorp Genetics (formerly Invitae), Labcorp
Classification: Uncertain significance for CHARGE syndrome. Last evaluated: 2024-05-28. Review status: criteria provided, single submitter. Criteria: Invitae Variant Classification Sherloc (09022015). Collection method: clinical testing. Allele origin: germline.
Comment: This sequence change replaces valine, which is neutral and non-polar, with alanine, which is neutral and non-polar, at codon 438 of the SEMA3E protein (p.Val438Ala). This variant is present in population databases (rs755186079, gnomAD 0.009%). This variant has not been reported in the literature in individuals affected with SEMA3E-related conditions. ClinVar contains an entry for this variant (Variation ID: 1480717). Advanced modeling of protein sequence and biophysical properties (such as structural, functional, and spatial information, amino acid conservation, physicochemical variation, residue mobility, and thermodynamic stability) performed at Invitae indicates that this missense variant is not expected to disrupt SEMA3E protein function with a negative predictive value of 80%. In summary, the available evidence is currently insufficient to determine the role of this variant in disease. Therefore, it has been classified as a Variant of Uncertain Significance.

NM_012431.3(SEMA3E):c.1313T>C (p.Val438Ala)

Gene: SEMA3E (semaphorin 3E; minus strand). Cytogenetic location: 7q21.11.
Variant type: single nucleotide variant.
Coding change: c.1313T>C on transcript NM_012431.3 (MANE Select); coding-DNA position 1313, T replaced by C.
Protein change: p.Val438Ala; replaces valine 438 with alanine.
Molecular consequence: missense variant.
Genome position (GRCh38, 1-based): chr7:83,400,081, A>G on the plus strand (T>C on the coding strand, the complement: SEMA3E is on the minus strand). VCF-style: chr7-83400081-A-G. GRCh37 (hg19) VCF-style: chr7-83029397-A-G.
Other names: c.1313T>C (NM_012431.2); c.1133T>C, p.Val378Ala (NM_001178129.2); short protein forms V438A, V378A.
Identifiers: ClinVar variation 1480717 (VCV001480717.9), dbSNP rs755186079, ClinGen allele CA4322070.
Genomic context (GRCh38, chr7:83,400,081, plus strand): 5'-TCTTTACCTGTCCCAATAAACAAGACGTCATATTGGCCATCCTCAGCTTCCACTCGATCT[A>G]CTGCTATTTGTTTCAGGTTATATTTTCCATCTGTTTTTACCAATATTGGTTTTTTATGGG-3'
Protein context (NP_036563.1, residues 428-448): DGKYNLKQIA[Val438Ala]DRVEAEDGQY